The following is an entry in ClinVar:

NM_000059.4(BRCA2):c.3481G>A (p.Asp1161Asn)

Gene: BRCA2 (BRCA2 DNA repair associated; plus strand). Cytogenetic location: 13q13.1.
Variant type: single nucleotide variant.
Coding change: c.3481G>A on transcript NM_000059.4 (MANE Select); coding-DNA position 3481, G replaced by A.
Protein change: p.Asp1161Asn; replaces aspartic acid 1161 with asparagine.
Molecular consequence: missense variant.
Genome position (GRCh38, 1-based): chr13:32,337,836, G>A. VCF-style: chr13-32337836-G-A. GRCh37 (hg19) VCF-style: chr13-32911973-G-A.
Other names: short protein forms D1161N.
Identifiers: ClinVar variation 531426 (VCV000531426.13), dbSNP rs1555283261, ClinGen allele CA387776859.

ClinVar aggregate classification (germline): Conflicting classifications of pathogenicity. Review status: criteria provided, conflicting classifications (1 of 4 stars). 3 submissions from 3 submitters: Uncertain significance (2); Likely benign (1). Last evaluated 2023-09-04.

Conditions:
Breast-ovarian cancer, familial, susceptibility to, 2 (BROVCA2). Also called: BRCA2 Hereditary Breast and Ovarian Cancer. Identifiers: Orphanet 145, MedGen C2675520, MONDO:0012933, OMIM 612555. Disease mechanism: loss of function.
Hereditary breast ovarian cancer syndrome. Also called: Hereditary breast and ovarian cancer syndrome; Hereditary breast and ovarian cancer syndrome (HBOC); BRCA1- and BRCA2-Associated Hereditary Breast and Ovarian Cancer; Hereditary breast and ovarian cancer; Breast and ovarian cancer; Hereditary breast and/or ovarian cancer syndrome. Identifiers: Orphanet 145, MedGen C0677776, MeSH D061325, MONDO:0003582. Disease mechanism: loss of function.
Hereditary cancer-predisposing syndrome. Also called: Neoplastic Syndromes, Hereditary; Hereditary neoplastic syndrome; Tumor predisposition; Hereditary Cancer Syndrome. Identifiers: Orphanet 140162, MedGen C0027672, MeSH D009386, MONDO:0015356.

gnomAD v4.1: 2 of 1,614,096 alleles (0.00012%); highest among the groups gnomAD compares: Non-Finnish European, 0.00017%; no homozygotes.

Submissions (3):

All of Us Research Program, National Institutes of Health
Classification: Uncertain significance for Breast-ovarian cancer, familial, susceptibility to, 2. Last evaluated: 2023-09-04. Review status: criteria provided, single submitter. Criteria: ACMG Guidelines, 2015. Collection method: clinical testing. Allele origin: germline. Inheritance: Autosomal dominant inheritance. Observed: 1 variant allele, 1 heterozygote.
Comment: This missense variant replaces aspartic acid with asparagine at codon 1161 of the BRCA2 protein. Computational prediction suggests that this variant may not impact protein structure and function (internally defined REVEL score threshold <= 0.5, PMID: 27666373). To our knowledge, functional studies have not been reported for this variant. This variant has not been reported in individuals affected with BRCA2-related disorders in the literature. This variant has not been identified in the general population by the Genome Aggregation Database (gnomAD). The available evidence is insufficient to determine the role of this variant in disease conclusively. Therefore, this variant is classified as a Variant of Uncertain Significance.

This study involves interpretation of variants in research participants for the purpose of population health screening. Participant phenotype was not available at the time of variant classification. Additional details can be found in publication PMID: 35346344, PMCID: PMC8962531

University of Washington Department of Laboratory Medicine, University of Washington
Classification: Likely benign for Hereditary cancer-predisposing syndrome. Last evaluated: 2023-03-23. Review status: criteria provided, single submitter. Criteria: Dines et al. (Genet Med. 2020). Collection method: curation. Allele origin: germline.
Comment: Missense variant in a coldspot region where missense variants are very unlikely to be pathogenic (PMID:31911673).

BRCA2 exon 11 coldspot. Reclassification based on statistical prior probability.

Labcorp Genetics (formerly Invitae), Labcorp
Classification: Uncertain significance for Hereditary breast ovarian cancer syndrome. Last evaluated: 2021-07-25. Review status: criteria provided, single submitter. Criteria: Invitae Variant Classification Sherloc (09022015). Collection method: clinical testing. Allele origin: germline.
Comment: In summary, the available evidence is currently insufficient to determine the role of this variant in disease. Therefore, it has been classified as a Variant of Uncertain Significance. Algorithms developed to predict the effect of missense changes on protein structure and function (SIFT, PolyPhen-2, Align-GVGD) all suggest that this variant is likely to be tolerated, but these predictions have not been confirmed by published functional studies and their clinical significance is uncertain. This variant has not been reported in the literature in individuals with BRCA2-related disease. This variant is not present in population databases (ExAC no frequency). This sequence change replaces aspartic acid with asparagine at codon 1161 of the BRCA2 protein (p.Asp1161Asn). The aspartic acid residue is moderately conserved and there is a small physicochemical difference between aspartic acid and asparagine.